The following is an entry in ClinVar:

ClinVar aggregate classification (germline): Uncertain significance (1 of 4 stars; one submission).

Conditions:
Brachyolmia-amelogenesis imperfecta syndrome. Also called: Tooth agenesis, selective, 6; Dental anomalies and short stature; PLATYSPONDYLY WITH AMELOGENESIS IMPERFECTA. Identifiers: Orphanet 2899, MedGen C1832594, MONDO:0011018, OMIM 601216. Disease mechanism: loss of function.

Submission:

Labcorp Genetics (formerly Invitae), Labcorp
Classification: Uncertain significance for Brachyolmia-amelogenesis imperfecta syndrome. Last evaluated: 2024-06-05. Review status: criteria provided, single submitter. Criteria: Invitae Variant Classification Sherloc (09022015). Collection method: clinical testing. Allele origin: germline.
Comment: This sequence change replaces histidine, which is basic and polar, with asparagine, which is neutral and polar, at codon 856 of the LTBP3 protein (p.His856Asn). This variant is not present in population databases (gnomAD no frequency). This variant has not been reported in the literature in individuals affected with LTBP3-related conditions. An algorithm developed to predict the effect of missense changes on protein structure and function (PolyPhen-2) suggests that this variant is likely to be disruptive. In summary, the available evidence is currently insufficient to determine the role of this variant in disease. Therefore, it has been classified as a Variant of Uncertain Significance.

NM_001130144.3(LTBP3):c.2566C>A (p.His856Asn)

Gene: LTBP3 (latent transforming growth factor beta binding protein 3; minus strand). Cytogenetic location: 11q13.1.
Variant type: single nucleotide variant.
Coding change: c.2566C>A on transcript NM_001130144.3 (MANE Select); coding-DNA position 2566, C replaced by A.
Protein change: p.His856Asn; replaces histidine 856 with asparagine.
Molecular consequence: missense variant.
Genome position (GRCh38, 1-based): chr11:65,543,135, G>T on the plus strand (C>A on the coding strand, the complement: LTBP3 is on the minus strand). VCF-style: chr11-65543135-G-T. GRCh37 (hg19) VCF-style: chr11-65310606-G-T.
Other names: c.2215C>A, p.His739Asn (NM_001164266.1); c.2566C>A, p.His856Asn (NM_021070.4); short protein forms H856N, H739N.
Identifiers: ClinVar variation 3689450 (VCV003689450.2).
Genomic context (GRCh38, chr11:65,543,135, plus strand): 5'-CCTCAGGAACCCTCAGCCAGTCCCCCATACCTTGGCATTTCCTGCCACCCACCAGCCGAT[G>T]CCCCTGGGGGCAAAGACATCTGTAGGAGCCATTGGTATTGATGCAGTCACCCCCAATGCA-3'
Protein context (NP_001123616.1, residues 846-866): GSYRCLCPQG[His856Asn]RLVGGRKCQD